The following is an entry in ClinVar:

NM_000384.3(APOB):c.13373C>T (p.Pro4458Leu)

Gene: APOB (apolipoprotein B; minus strand). Cytogenetic location: 2p24.1.
Variant type: single nucleotide variant.
Coding change: c.13373C>T on transcript NM_000384.3 (MANE Select); coding-DNA position 13373, C replaced by T.
Protein change: p.Pro4458Leu; replaces proline 4458 with leucine.
Molecular consequence: missense variant.
Genome position (GRCh38, 1-based): chr2:21,002,049, G>A on the plus strand (C>T on the coding strand, the complement: APOB is on the minus strand). VCF-style: chr2-21002049-G-A. GRCh37 (hg19) VCF-style: chr2-21224921-G-A.
Other names: short protein forms P4458L.
Identifiers: ClinVar variation 5027407 (VCV005027407.1).

ClinVar aggregate classification (germline): Uncertain significance (1 of 4 stars; one submission).

Conditions:
Cardiovascular phenotype. Identifiers: MedGen CN230736.

Submission:

Ambry Genetics
Classification: Uncertain significance for Cardiovascular phenotype. Last evaluated: 2026-07-02. Review status: criteria provided, single submitter. Criteria: Ambry Variant Classification Scheme 2023. Collection method: clinical testing. Allele origin: germline.
Comment: The p.P4458L variant (also known as c.13373C>T), located in coding exon 29 of the APOB gene, results from a C to T substitution at nucleotide position 13373. The proline at codon 4458 is replaced by leucine, an amino acid with similar properties. This amino acid position is conserved. In addition, this alteration is predicted to be tolerated by in silico analysis. Based on the available evidence, the clinical significance of this variant remains unclear.